The following is an entry in ClinVar:

NM_006030.4(CACNA2D2):c.1200G>A (p.Thr400=)

Gene: CACNA2D2 (calcium voltage-gated channel auxiliary subunit alpha2delta 2; minus strand). Cytogenetic location: 3p21.31.
Variant type: single nucleotide variant.
Coding change: c.1200G>A on transcript NM_006030.4 (MANE Select); coding-DNA position 1200, G replaced by A.
Protein change: p.Thr400=; no amino-acid change (threonine 400 retained).
Molecular consequence: synonymous variant.
Genome position (GRCh38, 1-based): chr3:50,379,152, C>T on the plus strand (G>A on the coding strand, the complement: CACNA2D2 is on the minus strand). VCF-style: chr3-50379152-C-T. GRCh37 (hg19) VCF-style: chr3-50416583-C-T.
Other names: c.1200G>A, p.Thr400= (NM_001005505.3, NM_001174051.3); c.993G>A, p.Thr331= (NM_001291101.1).
Identifiers: ClinVar variation 530515 (VCV000530515.46), dbSNP rs1553729735, ClinGen allele CA433869069.

ClinVar aggregate classification (germline): Uncertain significance. Review status: criteria provided, multiple submitters, no conflicts (2 of 4 stars). 2 submissions from 2 submitters: Uncertain significance (2). Last evaluated 2022-04-12.

Conditions:
Developmental and epileptic encephalopathy. Identifiers: MedGen C5779964, MONDO:0100620.

Allele frequency attached by ClinVar (database versions not stated): gnomAD exomes below 0.00001.
gnomAD v4.1: 1 of 1,614,024 alleles (0.000062%); highest among the groups gnomAD compares: Non-Finnish European, 0.000085%; no homozygotes.

Submissions (2):

Labcorp Genetics (formerly Invitae), Labcorp
Classification: Uncertain significance for Early-infantile DEE. Last evaluated: 2022-04-12. Review status: criteria provided, single submitter. Criteria: Invitae Variant Classification Sherloc (09022015). Collection method: clinical testing. Allele origin: germline.
Comment: This sequence change affects codon 400 of the CACNA2D2 mRNA. It is a 'silent' change, meaning that it does not change the encoded amino acid sequence of the CACNA2D2 protein. This variant is not present in population databases (gnomAD no frequency). This variant has not been reported in the literature in individuals affected with CACNA2D2-related conditions. ClinVar contains an entry for this variant (Variation ID: 530515). Algorithms developed to predict the effect of sequence changes on RNA splicing suggest that this variant may create or strengthen a splice site. In summary, the available evidence is currently insufficient to determine the role of this variant in disease. Therefore, it has been classified as a Variant of Uncertain Significance.

CeGaT Center for Human Genetics Tuebingen
Classification: Uncertain significance. Last evaluated: 2019-08-01. Review status: criteria provided, single submitter. Criteria: CeGaT Center For Human Genetics Tuebingen Variant Classification Criteria Version 2. Collection method: clinical testing. Allele origin: germline. Affected: yes. Observed: 3 variant alleles.